The following is an entry in ClinVar:

ClinVar aggregate classification (germline): Likely benign. Review status: criteria provided, single submitter (1 of 4 stars). 2 submissions from 2 submitters: Likely benign (1). 1 of the submissions does not count toward it. Last evaluated 2024-07-01.

Conditions:
NTN1-related disorder. Also called: NTN1-related condition.

Allele frequency attached by ClinVar (database versions not stated): 1000 Genomes Project 0.00020; 1000 Genomes Project 30x 0.00031; ESP Exome Variant Server 0.00078; gnomAD 0.00180; TOPMed 0.00186; ExAC 0.00195; gnomAD exomes 0.00273.

Submissions (2):

CeGaT Center for Human Genetics Tuebingen
Classification: Likely benign. Last evaluated: 2024-07-01. Review status: criteria provided, single submitter. Criteria: CeGaT Center For Human Genetics Tuebingen Variant Classification Criteria Version 2. Collection method: clinical testing. Allele origin: germline. Affected: yes. Observed: 1 variant allele.
Comment: NTN1: BP4, BP7

PreventionGenetics, part of Exact Sciences
Classification: Likely benign for NTN1-related condition. Last evaluated: 2019-07-22. Review status: no assertion criteria provided. Collection method: clinical testing. Allele origin: germline. Not counted in ClinVar's aggregate classification.
Comment: This variant is classified as likely benign based on ACMG/AMP sequence variant interpretation guidelines (Richards et al. 2015 PMID: 25741868, with internal and published modifications).

NM_004822.3(NTN1):c.120C>T (p.Pro40=)

Gene: NTN1 (netrin 1; plus strand). Cytogenetic location: 17p13.1.
Variant type: single nucleotide variant.
Coding change: c.120C>T on transcript NM_004822.3 (MANE Select); coding-DNA position 120, C replaced by T.
Protein change: p.Pro40=; no amino-acid change (proline 40 retained).
Molecular consequence: synonymous variant.
Genome position (GRCh38, 1-based): chr17:9,022,493, C>T. VCF-style: chr17-9022493-C-T. GRCh37 (hg19) VCF-style: chr17-8925810-C-T.
Identifiers: ClinVar variation 3049358 (VCV003049358.18), dbSNP rs376332478, ClinGen allele CA8380963.